The following is an entry in ClinVar:

ClinVar aggregate classification (germline): Uncertain significance. Review status: criteria provided, multiple submitters, no conflicts (2 of 4 stars). 4 submissions from 4 submitters: Uncertain significance (4). Last evaluated 2025-07-10.

Conditions:
Hereditary cancer-predisposing syndrome. Also called: Hereditary neoplastic syndrome; Neoplastic Syndromes, Hereditary; Tumor predisposition; Hereditary Cancer Syndrome. Identifiers: Orphanet 140162, MedGen C0027672, MeSH D009386, MONDO:0015356.
Familial cancer of breast. Also called: Hereditary breast cancer; BREAST CANCER, FAMILIAL; hereditary breast carcinoma. Identifiers: Orphanet 227535, MedGen C0346153, MONDO:0016419, OMIM 114480. Disease mechanism: loss of function.

Submissions (4):

Labcorp Genetics (formerly Invitae), Labcorp
Classification: Uncertain significance for Familial cancer of breast. Last evaluated: 2025-07-10. Review status: criteria provided, single submitter. Criteria: Invitae Variant Classification Sherloc (09022015). Collection method: clinical testing. Allele origin: germline.
Comment: This sequence change replaces serine, which is neutral and polar, with asparagine, which is neutral and polar, at codon 660 of the BARD1 protein (p.Ser660Asn). This variant is not present in population databases (gnomAD no frequency). This variant has not been reported in the literature in individuals affected with BARD1-related conditions. ClinVar contains an entry for this variant (Variation ID: 421752). An algorithm developed to predict the effect of missense changes on protein structure and function (PolyPhen-2) suggests that this variant is likely to be disruptive. In summary, the available evidence is currently insufficient to determine the role of this variant in disease. Therefore, it has been classified as a Variant of Uncertain Significance.

Ambry Genetics
Classification: Uncertain significance for Hereditary cancer-predisposing syndrome. Last evaluated: 2025-03-10. Review status: criteria provided, single submitter. Criteria: Ambry Variant Classification Scheme 2023. Collection method: clinical testing. Allele origin: germline.
Comment: The p.S660N variant (also known as c.1979G>A), located in coding exon 10 of the BARD1 gene, results from a G to A substitution at nucleotide position 1979. The serine at codon 660 is replaced by asparagine, an amino acid with highly similar properties. This amino acid position is well conserved in available vertebrate species. In addition, this alteration is predicted to be tolerated by in silico analysis. Since supporting evidence is limited at this time, the clinical significance of this alteration remains unclear.

Color Diagnostics, LLC DBA Color Health
Classification: Uncertain significance for Hereditary cancer-predisposing syndrome. Last evaluated: 2024-03-06. Review status: criteria provided, single submitter. Criteria: ACMG Guidelines, 2015. Collection method: clinical testing. Allele origin: germline.
Comment: This missense variant replaces serine with asparagine at codon 660 of the BARD1 protein. Computational prediction suggests that this variant may not impact protein structure and function (internally defined REVEL score threshold <= 0.5, PMID: 27666373). To our knowledge, functional studies have not been reported for this variant. This variant has not been reported in individuals affected with hereditary cancer in the literature. This variant has not been identified in the general population by the Genome Aggregation Database (gnomAD). The available evidence is insufficient to determine the role of this variant in disease conclusively. Therefore, this variant is classified as a Variant of Uncertain Significance.

GeneDx
Classification: Uncertain significance. Last evaluated: 2023-12-22. Review status: criteria provided, single submitter. Criteria: GeneDx Variant Classification Process June 2021. Collection method: clinical testing. Allele origin: germline. Affected: yes.
Comment: Not observed at significant frequency in large population cohorts (gnomAD); In silico analysis supports that this missense variant does not alter protein structure/function; Has not been previously published as pathogenic or benign to our knowledge

NM_000465.4(BARD1):c.1979G>A (p.Ser660Asn)

Gene: BARD1 (BRCA1 associated RING domain 1; minus strand). Cytogenetic location: 2q35.
Variant type: single nucleotide variant.
Coding change: c.1979G>A on transcript NM_000465.4 (MANE Select); coding-DNA position 1979, G replaced by A.
Protein change: p.Ser660Asn; replaces serine 660 with asparagine.
Molecular consequence: missense variant. On other transcripts: non-coding transcript variant (3).
Genome position (GRCh38, 1-based): chr2:214,730,433, C>T on the plus strand (G>A on the coding strand, the complement: BARD1 is on the minus strand). VCF-style: chr2-214730433-C-T. GRCh37 (hg19) VCF-style: chr2-215595157-C-T.
Other names: c.1922G>A, p.Ser641Asn (NM_001282543.2); c.626G>A, p.Ser209Asn (NM_001282545.2); c.569G>A, p.Ser190Asn (NM_001282548.2); c.440G>A, p.Ser147Asn (NM_001282549.2); short protein forms S660N, S190N, S209N, S641N, S147N.
Identifiers: ClinVar variation 421752 (VCV000421752.22), dbSNP rs876658774, ClinGen allele CA16617431.